The following is an entry in ClinVar:

NM_198253.3(TERT):c.571A>G (p.Ser191Gly)

Gene: TERT (telomerase reverse transcriptase; minus strand). Cytogenetic location: 5p15.33.
Variant type: single nucleotide variant.
Coding change: c.571A>G on transcript NM_198253.3 (MANE Select); coding-DNA position 571, A replaced by G.
Protein change: p.Ser191Gly; replaces serine 191 with glycine.
Molecular consequence: missense variant. On other transcripts: non-coding transcript variant (2).
Genome position (GRCh38, 1-based): chr5:1,294,315, T>C on the plus strand (A>G on the coding strand, the complement: TERT is on the minus strand). VCF-style: chr5-1294315-T-C. GRCh37 (hg19) VCF-style: chr5-1294430-T-C.
Other names: c.571A>G, p.Ser191Gly (NM_001193376.3); short protein forms S191G.
Identifiers: ClinVar variation 1336794 (VCV001336794.11), dbSNP rs1425605385, ClinGen allele CA359057419.

ClinVar aggregate classification (germline): Uncertain significance. Review status: criteria provided, multiple submitters, no conflicts (2 of 4 stars). 3 submissions from 3 submitters: Uncertain significance (3). Last evaluated 2025-06-13.

Conditions:
Dyskeratosis congenita. Identifiers: Orphanet 1775, MedGen C0265965, MONDO:0015780.
Dyskeratosis congenita, autosomal dominant 2. Identifiers: MedGen C3151443, MONDO:0013521, OMIM 613989.
Idiopathic Pulmonary Fibrosis. Also called: Idiopathic fibrosing alveolitis, chronic form; idiopathic fibrosing alveolitis. Identifiers: Orphanet 2032, MedGen C1800706, MeSH D054990, MONDO:0800504.

Allele frequency attached by ClinVar (database versions not stated): gnomAD exomes below 0.00001 and 0.00001.

Submissions (3):

Ambry Genetics
Classification: Uncertain significance for Dyskeratosis congenita. Last evaluated: 2025-06-13. Review status: criteria provided, single submitter. Criteria: Ambry Variant Classification Scheme 2023. Collection method: clinical testing. Allele origin: germline.
Comment: The p.S191G variant (also known as c.571A>G), located in coding exon 2 of the TERT gene, results from an A to G substitution at nucleotide position 571. The serine at codon 191 is replaced by glycine, an amino acid with similar properties. This amino acid position is conserved. In addition, this alteration is predicted to be tolerated by in silico analysis. Based on the available evidence, the clinical significance of this variant remains unclear.

Labcorp Genetics (formerly Invitae), Labcorp
Classification: Uncertain significance for Dyskeratosis congenita, autosomal dominant 2; Idiopathic Pulmonary Fibrosis. Last evaluated: 2021-11-06. Review status: criteria provided, single submitter. Criteria: Invitae Variant Classification Sherloc (09022015). Collection method: clinical testing. Allele origin: germline.
Comment: This variant is present in population databases (no rsID available, gnomAD 0.002%). This variant has not been reported in the literature in individuals affected with TERT-related conditions. Advanced modeling of protein sequence and biophysical properties (such as structural, functional, and spatial information, amino acid conservation, physicochemical variation, residue mobility, and thermodynamic stability) performed at Invitae indicates that this missense variant is not expected to disrupt TERT protein function. In summary, the available evidence is currently insufficient to determine the role of this variant in disease. Therefore, it has been classified as a Variant of Uncertain Significance. This sequence change replaces serine, which is neutral and polar, with glycine, which is neutral and non-polar, at codon 191 of the TERT protein (p.Ser191Gly).

Genetic Services Laboratory, University of Chicago
Classification: Uncertain significance. Last evaluated: 2018-08-02. Review status: criteria provided, single submitter. Criteria: ACMG Guidelines, 2015. Collection method: clinical testing. Allele origin: germline. Affected: no.